The following is an entry in ClinVar:

NM_152558.5(IQCE):c.1637C>T (p.Ala546Val)

Gene: IQCE (IQ motif containing E; plus strand). Cytogenetic location: 7p22.3.
Variant type: single nucleotide variant.
Coding change: c.1637C>T on transcript NM_152558.5 (MANE Select); coding-DNA position 1637, C replaced by T.
Protein change: p.Ala546Val; replaces alanine 546 with valine.
Molecular consequence: missense variant.
Genome position (GRCh38, 1-based): chr7:2,604,885, C>T. VCF-style: chr7-2604885-C-T. GRCh37 (hg19) VCF-style: chr7-2644519-C-T.
Other names: c.1637C>T, p.Ala546Val (NM_001287499.2); c.1589C>T, p.Ala530Val (NM_001287500.2); c.1442C>T, p.Ala481Val (NM_001287501.2, NM_001287502.2); c.1637C>T (NM_152558.4); short protein forms A481V, A530V, A546V.
Identifiers: ClinVar variation 1300122 (VCV001300122.4), dbSNP rs2293404, ClinGen allele CA4129398.

ClinVar aggregate classification (germline): Benign. Review status: criteria provided, single submitter (1 of 4 stars). 2 submissions from 2 submitters: Benign (1). 1 of the submissions does not count toward it. Last evaluated 2021-08-19.

Conditions:
Polydactyly, postaxial, type a7. Identifiers: MedGen C4539976, MONDO:0060550, OMIM 617642.
IQCE-related disorder. Also called: IQCE-related condition.

Allele frequency attached by ClinVar (database versions not stated): ESP Exome Variant Server 0.30157; gnomAD exomes 0.31121 and 0.34905; gnomAD 0.33567 and 0.33853; ExAC 0.34452; TOPMed 0.34683; 1000 Genomes Project 30x 0.40943; 1000 Genomes Project 0.41174.
gnomAD v4.1: 504,337 of 1,606,818 alleles (31%); highest among the groups gnomAD compares: East Asian, 54%; 83,066 homozygotes.

Submissions (2):

Genome-Nilou Lab
Classification: Benign for Polydactyly, postaxial, type a7. Last evaluated: 2021-08-19. Review status: criteria provided, single submitter. Criteria: ACMG Guidelines, 2015. Collection method: clinical testing. Allele origin: germline. Affected: no.

PreventionGenetics, part of Exact Sciences
Classification: Benign for IQCE-related condition. Last evaluated: 2023-02-01. Review status: no assertion criteria provided. Collection method: clinical testing. Allele origin: germline. Not counted in ClinVar's aggregate classification.
Comment: This variant is classified as benign based on ACMG/AMP sequence variant interpretation guidelines (Richards et al. 2015 PMID: 25741868, with internal and published modifications).